The following is an entry in ClinVar:

NM_152558.5(IQCE):c.312T>C (p.Thr104=)

Genes: IQCE (IQ motif containing E; plus strand), LOC126859928 (CDK7 strongly-dependent group 2 enhancer GRCh37_chr7:2611286-2612485; plus strand). Cytogenetic location: 7p22.3.
Variant type: single nucleotide variant.
Coding change: c.312T>C on transcript NM_152558.5 (MANE Select); coding-DNA position 312, T replaced by C.
Protein change: p.Thr104=; no amino-acid change (threonine 104 retained).
Molecular consequence: synonymous variant.
Genome position (GRCh38, 1-based): chr7:2,572,244, T>C. VCF-style: chr7-2572244-T-C. GRCh37 (hg19) VCF-style: chr7-2611878-T-C.
Other names: c.312T>C, p.Thr104= (NM_001287499.2); c.264T>C, p.Thr88= (NM_001287500.2); c.117T>C, p.Thr39= (NM_001287501.2, NM_001287502.2); c.312T>C (NM_152558.4).
Identifiers: ClinVar variation 1300115 (VCV001300115.4), dbSNP rs2917751, ClinGen allele CA4128518.
Genomic context (GRCh38, chr7:2,572,244, plus strand): 5'-CAAACCAGGAAGTCTGACCCAGGCCCTGAACTCACCCCTCACCTGGGAGCATGCGTGGAC[T>C]GGCGTCCCCGGCGGCACTCCTGACTGTCTGACAGACACCTTCAGAGTGAAGAGGCCACAT-3'
Protein context (NP_689771.3, residues 94-114): NSPLTWEHAW[Thr104=]GVPGGTPDCL

ClinVar aggregate classification (germline): Benign. Review status: criteria provided, single submitter (1 of 4 stars). 2 submissions from 2 submitters: Benign (1). 1 of the submissions does not count toward it. Last evaluated 2021-08-19.

Conditions:
Polydactyly, postaxial, type a7. Identifiers: MedGen C4539976, MONDO:0060550, OMIM 617642.
IQCE-related disorder. Also called: IQCE-related condition.

Allele frequency attached by ClinVar (database versions not stated): 1000 Genomes Project 30x 0.65990; 1000 Genomes Project 0.66134; TOPMed 0.69738; ESP Exome Variant Server 0.72286; gnomAD exomes 0.75100.
gnomAD v4.1: 1,204,597 of 1,613,770 alleles (75%); highest among the groups gnomAD compares: Non-Finnish European, 76%; 452,641 homozygotes.

Submissions (2):

Genome-Nilou Lab
Classification: Benign for Polydactyly, postaxial, type a7. Last evaluated: 2021-08-19. Review status: criteria provided, single submitter. Criteria: ACMG Guidelines, 2015. Collection method: clinical testing. Allele origin: germline. Affected: no.

PreventionGenetics, part of Exact Sciences
Classification: Benign for IQCE-related condition. Last evaluated: 2023-02-01. Review status: no assertion criteria provided. Collection method: clinical testing. Allele origin: germline. Not counted in ClinVar's aggregate classification.
Comment: This variant is classified as benign based on ACMG/AMP sequence variant interpretation guidelines (Richards et al. 2015 PMID: 25741868, with internal and published modifications).